The following is an entry in ClinVar:

ClinVar aggregate classification (germline): Conflicting classifications of pathogenicity. Review status: criteria provided, conflicting classifications (1 of 4 stars). 2 submissions from 2 submitters: Uncertain significance (1); Likely benign (1). Last evaluated 2026-05-03.

Conditions:
Cardiovascular phenotype. Identifiers: MedGen CN230736.
Telangiectasia, hereditary hemorrhagic, type 5 (HHT5). Identifiers: Orphanet 774, MedGen C3809710, MONDO:0014217, OMIM 615506.

Allele frequency attached by ClinVar (database versions not stated): ESP Exome Variant Server 0.00023; TOPMed 0.00005; 1000 Genomes Project 30x 0.00016; ExAC 0.00009.

Submissions (2):

Ambry Genetics
Classification: Likely benign for Cardiovascular phenotype. Last evaluated: 2026-05-03. Review status: criteria provided, single submitter. Criteria: Ambry Variant Classification Scheme 2023. Collection method: clinical testing. Allele origin: germline.

Labcorp Genetics (formerly Invitae), Labcorp
Classification: Uncertain significance for Telangiectasia, hereditary hemorrhagic, type 5. Last evaluated: 2021-12-31. Review status: criteria provided, single submitter. Criteria: Invitae Variant Classification Sherloc (09022015). Collection method: clinical testing. Allele origin: germline.
Comment: This sequence change replaces alanine, which is neutral and non-polar, with threonine, which is neutral and polar, at codon 321 of the GDF2 protein (p.Ala321Thr). This variant is present in population databases (rs147867422, gnomAD 0.04%). This variant has not been reported in the literature in individuals affected with GDF2-related conditions. Algorithms developed to predict the effect of missense changes on protein structure and function output the following: SIFT: "Tolerated"; PolyPhen-2: "Benign"; Align-GVGD: "Class C0". The threonine amino acid residue is found in multiple mammalian species, which suggests that this missense change does not adversely affect protein function. In summary, the available evidence is currently insufficient to determine the role of this variant in disease. Therefore, it has been classified as a Variant of Uncertain Significance.

NM_016204.4(GDF2):c.961G>A (p.Ala321Thr)

Gene: GDF2 (growth differentiation factor 2; plus strand). Cytogenetic location: 10q11.22.
Variant type: single nucleotide variant.
Coding change: c.961G>A on transcript NM_016204.4 (MANE Select); coding-DNA position 961, G replaced by A.
Protein change: p.Ala321Thr; replaces alanine 321 with threonine.
Molecular consequence: missense variant.
Genome position (GRCh38, 1-based): chr10:47,325,455, G>A. VCF-style: chr10-47325455-G-A. GRCh37 (hg19) VCF-style: chr10-48413907-C-T.
Other names: c.961G>A (NM_016204.1); short protein forms A321T.
Identifiers: ClinVar variation 2037015 (VCV002037015.2), dbSNP rs147867422, ClinGen allele CA5487978.